The following is an entry in ClinVar:

NM_004370.6(COL12A1):c.1459G>A (p.Asp487Asn)

Gene: COL12A1 (collagen type XII alpha 1 chain; minus strand). Cytogenetic location: 6q13.
Variant type: single nucleotide variant.
Coding change: c.1459G>A on transcript NM_004370.6 (MANE Select); coding-DNA position 1459, G replaced by A.
Protein change: p.Asp487Asn; replaces aspartic acid 487 with asparagine.
Molecular consequence: missense variant. On other transcripts: intron variant (1).
Genome position (GRCh38, 1-based): chr6:75,183,482, C>T on the plus strand (G>A on the coding strand, the complement: COL12A1 is on the minus strand). VCF-style: chr6-75183482-C-T. GRCh37 (hg19) VCF-style: chr6-75893198-C-T.
Other names: c.73+19238G>A (NM_080645.3); short protein forms D487N.
Identifiers: ClinVar variation 2541670 (VCV002541670.4), dbSNP rs2533567834, ClinGen allele CA364770231.

ClinVar aggregate classification (germline): Uncertain significance. Review status: criteria provided, multiple submitters, no conflicts (2 of 4 stars). 2 submissions from 2 submitters: Uncertain significance (2). Last evaluated 2024-11-15.

Conditions:
Ullrich congenital muscular dystrophy 2 (UCMD2). Identifiers: Orphanet 75840, MedGen C4225314, MONDO:0014654, OMIM 616470.
Bethlem myopathy 2 (BTHLM2). Identifiers: Orphanet 536516, Orphanet 610, MedGen C4225313, MONDO:0034022, OMIM 616471.
Inborn genetic diseases. Identifiers: MedGen C0950123, MeSH D030342.

Allele frequency attached by ClinVar (database versions not stated): gnomAD exomes below 0.00001.
gnomAD v4.1: 1 of 1,614,162 alleles (0.000062%); highest among the groups gnomAD compares: Non-Finnish European, 0.000085%; no homozygotes.

Submissions (2):

Labcorp Genetics (formerly Invitae), Labcorp
Classification: Uncertain significance for Bethlem myopathy 2; Ullrich congenital muscular dystrophy 2. Last evaluated: 2024-11-15. Review status: criteria provided, single submitter. Criteria: Invitae Variant Classification Sherloc (09022015). Collection method: clinical testing. Allele origin: germline.
Comment: This sequence change replaces aspartic acid, which is acidic and polar, with asparagine, which is neutral and polar, at codon 487 of the COL12A1 protein (p.Asp487Asn). This variant is not present in population databases (gnomAD no frequency). This variant has not been reported in the literature in individuals affected with COL12A1-related conditions. ClinVar contains an entry for this variant (Variation ID: 2541670). Invitae Evidence Modeling of protein sequence and biophysical properties (such as structural, functional, and spatial information, amino acid conservation, physicochemical variation, residue mobility, and thermodynamic stability) has been performed for this missense variant. However, the output from this modeling did not meet the statistical confidence thresholds required to predict the impact of this variant on COL12A1 protein function. In summary, the available evidence is currently insufficient to determine the role of this variant in disease. Therefore, it has been classified as a Variant of Uncertain Significance.

Ambry Genetics
Classification: Uncertain significance for Inborn genetic diseases. Last evaluated: 2023-04-28. Review status: criteria provided, single submitter. Criteria: Ambry Variant Classification Scheme 2023. Collection method: clinical testing. Allele origin: germline.